The following is an entry in ClinVar:

ClinVar aggregate classification (germline): Uncertain significance. Review status: criteria provided, multiple submitters, no conflicts (2 of 4 stars). 2 submissions from 2 submitters: Uncertain significance (2). Last evaluated 2024-06-17.

Conditions:
Inborn genetic diseases. Identifiers: MedGen C0950123, MeSH D030342.

Allele frequency attached by ClinVar (database versions not stated): gnomAD 0.00001; gnomAD exomes 0.00001; TOPMed 0.00001.
gnomAD v4.1: 8 of 1,209,684 alleles (0.00066%); highest among the groups gnomAD compares: Admixed American, 0.0022%; no homozygotes.

Submissions (2):

Ambry Genetics
Classification: Uncertain significance for Inborn genetic diseases. Last evaluated: 2024-06-17. Review status: criteria provided, single submitter. Criteria: Ambry Variant Classification Scheme 2023. Collection method: clinical testing. Allele origin: germline.

Labcorp Genetics (formerly Invitae), Labcorp
Classification: Uncertain significance. Last evaluated: 2024-04-04. Review status: criteria provided, single submitter. Criteria: Invitae Variant Classification Sherloc (09022015). Collection method: clinical testing. Allele origin: germline.
Comment: This sequence change replaces arginine, which is basic and polar, with tryptophan, which is neutral and slightly polar, at codon 225 of the RP2 protein (p.Arg225Trp). This variant is present in population databases (no rsID available, gnomAD 0.004%). This variant has not been reported in the literature in individuals affected with RP2-related conditions. ClinVar contains an entry for this variant (Variation ID: 1445541). Algorithms developed to predict the effect of missense changes on protein structure and function output the following: SIFT: "Not Available"; PolyPhen-2: "Benign"; Align-GVGD: "Not Available". The tryptophan amino acid residue is found in multiple mammalian species, which suggests that this missense change does not adversely affect protein function. In summary, the available evidence is currently insufficient to determine the role of this variant in disease. Therefore, it has been classified as a Variant of Uncertain Significance.

NM_006915.3(RP2):c.673C>T (p.Arg225Trp)

Gene: RP2 (RP2 activator of ARL3 GTPase; plus strand). Cytogenetic location: Xp11.3.
Variant type: single nucleotide variant.
Coding change: c.673C>T on transcript NM_006915.3 (MANE Select); coding-DNA position 673, C replaced by T.
Protein change: p.Arg225Trp; replaces arginine 225 with tryptophan.
Molecular consequence: missense variant.
Genome position (GRCh38, 1-based): chrX:46,854,046, C>T. VCF-style: chrX-46854046-C-T. GRCh37 (hg19) VCF-style: chrX-46713481-C-T.
Other names: c.673C>T (NM_006915.2); short protein forms R225W.
Identifiers: ClinVar variation 1445541 (VCV001445541.8), dbSNP rs1428018399, ClinGen allele CA413040456.